The following is an entry in ClinVar:

ClinVar aggregate classification (germline): Pathogenic (1 of 4 stars; one submission).

Conditions:
Nephronophthisis. Also called: Juvenile Nephronophthisis. Identifiers: Orphanet 655, MedGen C0687120, MONDO:0019005, HP:0000090.
Jeune thoracic dystrophy. Also called: Jeune syndrome; Infantile thoracic dystrophy; Thoracic pelvic phalangeal dystrophy; Jeune's syndrome; Chondroectodermal dysplasia-like syndrome; Short-rib thoracic dysplasia. Identifiers: Orphanet 474, MedGen C0265275, MONDO:0018770.

Submission:

Labcorp Genetics (formerly Invitae), Labcorp
Classification: Pathogenic for Jeune thoracic dystrophy; Nephronophthisis. Last evaluated: 2024-01-19. Review status: criteria provided, single submitter. Criteria: Invitae Variant Classification Sherloc (09022015). Collection method: clinical testing. Allele origin: germline.
Comment: This sequence change creates a premature translational stop signal (p.Tyr779*) in the TTC21B gene. It is expected to result in an absent or disrupted protein product. Loss-of-function variants in TTC21B are known to be pathogenic (PMID: 18327258, 21068128, 21258341, 23559409, 24876116, 25492405, 27491411, 29068549). This variant is not present in population databases (gnomAD no frequency). This variant has not been reported in the literature in individuals affected with TTC21B-related conditions. ClinVar contains an entry for this variant (Variation ID: 1361272). Algorithms developed to predict the effect of sequence changes on RNA splicing suggest that this variant may disrupt the consensus splice site. For these reasons, this variant has been classified as Pathogenic.

Literature cited by the submitters: PubMed 18327258; PubMed 21068128; PubMed 21258341; PubMed 23559409; PubMed 24876116; PubMed 25492405; PubMed 27491411; PubMed 29068549.

NM_024753.5(TTC21B):c.2337T>G (p.Tyr779Ter)

Gene: TTC21B (tetratricopeptide repeat domain 21B; minus strand). Cytogenetic location: 2q24.3.
Variant type: single nucleotide variant.
Coding change: c.2337T>G on transcript NM_024753.5 (MANE Select); coding-DNA position 2337, T replaced by G.
Protein change: p.Tyr779Ter; replaces tyrosine 779 with a stop codon.
Molecular consequence: nonsense.
Genome position (GRCh38, 1-based): chr2:165,911,451, A>C on the plus strand (T>G on the coding strand, the complement: TTC21B is on the minus strand). VCF-style: chr2-165911451-A-C. GRCh37 (hg19) VCF-style: chr2-166767961-A-C.
Other names: short protein forms Y779*.
Identifiers: ClinVar variation 1361272 (VCV001361272.6), dbSNP rs1559053862, ClinGen allele CA349057137.